The following is an entry in ClinVar:

ClinVar aggregate classification (germline): Likely benign. Review status: criteria provided, multiple submitters, no conflicts (2 of 4 stars). 3 submissions from 3 submitters: Likely benign (3). Last evaluated 2026-07-01.

Allele frequency attached by ClinVar (database versions not stated): ExAC 0.00002; gnomAD 0.00002; gnomAD exomes 0.00002; TOPMed 0.00005; ESP Exome Variant Server 0.00008.
gnomAD v4.1: 39 of 1,613,810 alleles (0.0024%); highest among the groups gnomAD compares: Admixed American, 0.01%; no homozygotes.

Submissions (3):

CeGaT Center for Human Genetics Tuebingen
Classification: Likely benign. Last evaluated: 2026-07-01. Review status: criteria provided, single submitter. Criteria: CeGaT Center For Human Genetics Tuebingen Variant Classification Criteria Version 2. Collection method: clinical testing. Allele origin: germline. Affected: yes. Observed: 2 variant alleles.
Comment: KMT2A: BP4, BP7

Labcorp Genetics (formerly Invitae), Labcorp
Classification: Likely benign. Last evaluated: 2025-08-31. Review status: criteria provided, single submitter. Criteria: Invitae Variant Classification Sherloc (09022015). Collection method: clinical testing. Allele origin: germline.

GeneDx
Classification: Likely benign. Last evaluated: 2021-05-11. Review status: criteria provided, single submitter. Criteria: GeneDx Variant Classification Process June 2021. Collection method: clinical testing. Allele origin: germline. Affected: yes.
Comment: Has not been previously published as pathogenic or benign to our knowledge; In-silico analysis, which includes splice predictors and evolutionary conservation, is inconclusive as to whether the variant alters gene splicing. In the absence of RNA/functional studies, the actual effect of this sequence change is unknown.

NM_001197104.2(KMT2A):c.11295C>T (p.Gly3765=)

Genes: KMT2A (lysine methyltransferase 2A; plus strand), TTC36-AS1 (TTC36 and KMT2A antisense RNA 1; minus strand). Cytogenetic location: 11q23.3.
Variant type: single nucleotide variant.
Coding change: c.11295C>T on transcript NM_001197104.2 (MANE Select); coding-DNA position 11295, C replaced by T.
Protein change: p.Gly3765=; no amino-acid change (glycine 3765 retained).
Molecular consequence: synonymous variant.
Genome position (GRCh38, 1-based): chr11:118,519,766, C>T. VCF-style: chr11-118519766-C-T. GRCh37 (hg19) VCF-style: chr11-118390481-C-T.
Other names: c.11286C>T, p.Gly3762= (NM_005933.4).
Identifiers: ClinVar variation 1192048 (VCV001192048.14), dbSNP rs200597062, ClinGen allele CA6304941.